The following is an entry in ClinVar:

NM_003002.4(SDHD):c.422A>C (p.Tyr141Ser)

Gene: SDHD (succinate dehydrogenase complex subunit D; plus strand). Cytogenetic location: 11q23.1.
Variant type: single nucleotide variant.
Coding change: c.422A>C on transcript NM_003002.4 (MANE Select); coding-DNA position 422, A replaced by C.
Protein change: p.Tyr141Ser; replaces tyrosine 141 with serine.
Molecular consequence: missense variant. On other transcripts: 3 prime UTR variant (2), non-coding transcript variant (1).
Genome position (GRCh38, 1-based): chr11:112,094,912, A>C. VCF-style: chr11-112094912-A-C. GRCh37 (hg19) VCF-style: chr11-111965636-A-C.
Other names: c.*19A>C (NM_001276503.2); c.305A>C, p.Tyr102Ser (NM_001276504.2); c.*120A>C (NM_001276506.2); short protein forms Y102S, Y141S.
Identifiers: ClinVar variation 4864295 (VCV004864295.1).

ClinVar aggregate classification (germline): Uncertain significance (1 of 4 stars; one submission).

Conditions:
Hereditary cancer-predisposing syndrome. Also called: Neoplastic Syndromes, Hereditary; Tumor predisposition; Hereditary Cancer Syndrome; Hereditary neoplastic syndrome. Identifiers: Orphanet 140162, MedGen C0027672, MeSH D009386, MONDO:0015356.

Submission:

Ambry Genetics
Classification: Uncertain significance for Hereditary cancer-predisposing syndrome. Last evaluated: 2026-05-19. Review status: criteria provided, single submitter. Criteria: Ambry Variant Classification Scheme 2023. Collection method: clinical testing. Allele origin: germline.
Comment: The p.Y141S variant (also known as c.422A>C), located in coding exon 4 of the SDHD gene, results from an A to C substitution at nucleotide position 422. The tyrosine at codon 141 is replaced by serine, an amino acid with dissimilar properties. This amino acid position is conserved. In addition, this alteration is predicted to be deleterious by in silico analysis. Based on the available evidence, the clinical significance of this variant remains unclear.